The following is an entry in ClinVar:

ClinVar aggregate classification (germline): Uncertain significance (1 of 4 stars; one submission).

Submission:

Labcorp Genetics (formerly Invitae), Labcorp
Classification: Uncertain significance. Last evaluated: 2025-12-16. Review status: criteria provided, single submitter. Criteria: Invitae Variant Classification Sherloc (09022015). Collection method: clinical testing. Allele origin: germline.
Comment: This sequence change replaces glutamine, which is neutral and polar, with glutamic acid, which is acidic and polar, at codon 1885 of the KAT6A protein (p.Gln1885Glu). This variant is not present in population databases (gnomAD no frequency). This variant has not been reported in the literature in individuals affected with KAT6A-related conditions. Invitae Evidence Modeling of protein sequence and biophysical properties (such as structural, functional, and spatial information, amino acid conservation, physicochemical variation, residue mobility, and thermodynamic stability) indicates that this missense variant is not expected to disrupt KAT6A protein function with a negative predictive value of 95%. In summary, the available evidence is currently insufficient to determine the role of this variant in disease. Therefore, it has been classified as a Variant of Uncertain Significance.

NM_006766.5(KAT6A):c.5653C>G (p.Gln1885Glu)

Gene: KAT6A (lysine acetyltransferase 6A; minus strand). Cytogenetic location: 8p11.21.
Variant type: single nucleotide variant.
Coding change: c.5653C>G on transcript NM_006766.5 (MANE Select); coding-DNA position 5653, C replaced by G.
Protein change: p.Gln1885Glu; replaces glutamine 1885 with glutamic acid.
Molecular consequence: missense variant.
Genome position (GRCh38, 1-based): chr8:41,932,567, G>C on the plus strand (C>G on the coding strand, the complement: KAT6A is on the minus strand). VCF-style: chr8-41932567-G-C. GRCh37 (hg19) VCF-style: chr8-41790085-G-C.
Other names: short protein forms Q1885E.
Identifiers: ClinVar variation 4747368 (VCV004747368.1).